The following is an entry in ClinVar:

ClinVar aggregate classification (germline): Pathogenic (1 of 4 stars; one submission).

Conditions:
Cohen syndrome (COH1). Also called: PEPPER SYNDROME; Cutis verticis gyrata, retinitis pigmentosa, and sensorineural deafness. Identifiers: Orphanet 193, MedGen C0265223, MONDO:0008999, OMIM 216550.

Allele frequency attached by ClinVar (database versions not stated): gnomAD exomes below 0.00001.

Submission:

Baylor Genetics
Classification: Pathogenic for Cohen syndrome. Last evaluated: 2018-04-20. Review status: criteria provided, single submitter. Criteria: ACMG Guidelines, 2015. Collection method: clinical testing. Allele origin: maternal. Affected: yes.
Comment: This variant was determined to be pathogenic according to ACMG Guidelines, 2015 [PMID:25741868].

NM_152564.5(VPS13B):c.10557del (p.Leu3519fs)

Gene: VPS13B (vacuolar protein sorting 13 homolog B; plus strand). Cytogenetic location: 8q22.2.
Variant type: Deletion.
Coding change: c.10557del on transcript NM_152564.5 (MANE Select); coding-DNA position 10557, one base deleted (G; older notation c.10557delG).
Protein change: p.Leu3519fs; shifts the reading frame from leucine 3519.
Molecular consequence: frameshift variant.
Genome position (GRCh38, 1-based): chr8:99,853,946, G deleted. VCF-style (leftmost placement, unchanged base first): chr8-99853945-TG-T. GRCh37 (hg19) VCF-style: chr8-100866173-TG-T.
Other names: c.10632del, p.Leu3544fs (NM_017890.5); short protein forms L3544fs, L3519fs.
Identifiers: ClinVar variation 1033869 (VCV001033869.1), dbSNP rs1816422602, ClinGen allele CA2497231564.
Genomic context (GRCh38, chr8:99,853,945, plus strand): 5'-TTGAATTAAAACCTGCTCGGTTATACGTGGAAGACACATTTGTATACTACATCAAGACTT[TG>T]TTTGACACCTACCTTCCTAACAGCAGGTTGGCTGGTCACTCCACACACCTCTCCGGGGGT-3'